The following is an entry in ClinVar:

ClinVar aggregate classification (germline): Uncertain significance (1 of 4 stars; one submission).

Conditions:
Hereditary cancer-predisposing syndrome. Also called: Tumor predisposition; Hereditary Cancer Syndrome; Neoplastic Syndromes, Hereditary; Hereditary neoplastic syndrome. Identifiers: Orphanet 140162, MedGen C0027672, MeSH D009386, MONDO:0015356.

Submission:

Ambry Genetics
Classification: Uncertain significance for Hereditary cancer-predisposing syndrome. Last evaluated: 2023-09-19. Review status: criteria provided, single submitter. Criteria: Ambry Variant Classification Scheme 2023. Collection method: clinical testing. Allele origin: germline.
Comment: The p.D960G variant (also known as c.2879A>G), located in coding exon 18 of the RAD50 gene, results from an A to G substitution at nucleotide position 2879. The aspartic acid at codon 960 is replaced by glycine, an amino acid with similar properties. This amino acid position is conserved. In addition, this alteration is predicted to be tolerated by in silico analysis. Since supporting evidence is limited at this time, the clinical significance of this alteration remains unclear.

NM_005732.4(RAD50):c.2879A>G (p.Asp960Gly)

Gene: RAD50 (RAD50 double strand break repair protein; plus strand). Cytogenetic location: 5q31.1.
Variant type: single nucleotide variant.
Coding change: c.2879A>G on transcript NM_005732.4 (MANE Select); coding-DNA position 2879, A replaced by G.
Protein change: p.Asp960Gly; replaces aspartic acid 960 with glycine.
Molecular consequence: missense variant.
Genome position (GRCh38, 1-based): chr5:132,609,166, A>G. VCF-style: chr5-132609166-A-G. GRCh37 (hg19) VCF-style: chr5-131944858-A-G.
Other names: short protein forms D960G.
Identifiers: ClinVar variation 1797134 (VCV001797134.2), dbSNP rs2479371079, ClinGen allele CA360959732.